The following is an entry in ClinVar:

NM_000334.4(SCN4A):c.2812G>A (p.Glu938Lys)

Genes: GH-LCR (growth hormone locus control region; plus strand), SCN4A (sodium voltage-gated channel alpha subunit 4; minus strand). Cytogenetic location: 17q23.3.
Variant type: single nucleotide variant.
Coding change: c.2812G>A on transcript NM_000334.4 (MANE Select); coding-DNA position 2812, G replaced by A.
Protein change: p.Glu938Lys; replaces glutamic acid 938 with lysine.
Molecular consequence: missense variant.
Genome position (GRCh38, 1-based): chr17:63,951,465, C>T on the plus strand (G>A on the coding strand, the complement: SCN4A is on the minus strand). VCF-style: chr17-63951465-C-T. GRCh37 (hg19) VCF-style: chr17-62028825-C-T.
Other names: short protein forms E938K.
Identifiers: ClinVar variation 448267 (VCV000448267.11), dbSNP rs374673348, ClinGen allele CA8709492.

ClinVar aggregate classification (germline): Uncertain significance. Review status: criteria provided, multiple submitters, no conflicts (2 of 4 stars). 4 submissions from 4 submitters: Uncertain significance (4). Last evaluated 2025-10-02.

Conditions:
Hyperkalemic periodic paralysis. Also called: Familial hyperkalemic periodic paralysis; Gamstorp disease. Identifiers: Orphanet 682, MedGen C0238357, MONDO:0008224, OMIM 170500, HP:0007215.
Hypokalemic periodic paralysis, type 2 (HOKPP2). Identifiers: Orphanet 681, MedGen C2750061, MONDO:0013234, OMIM 613345.
Potassium-aggravated myotonia. Also called: MYOTONIA CONGENITA, ACETAZOLAMIDE-RESPONSIVE; MYOTONIA CONGENITA, ATYPICAL; SODIUM CHANNEL MUSCLE DISEASE; Myotonia congenita, atypical, acetazolamide-responsive. Identifiers: Orphanet 612, Orphanet 99734, Orphanet 99735, Orphanet 99736, MedGen C2931826, MONDO:0018959, OMIM 608390.
Congenital myasthenic syndrome 16. Identifiers: Orphanet 590, MedGen C3280112, MONDO:0013620, OMIM 614198.
Paramyotonia congenita of Von Eulenburg. Also called: Paramyotonia Congenita; Eulenburg disease; Myotonia congenita intermittens; Von Eulenburg paramyotonia congenita; PARALYSIS PERIODICA PARAMYOTONICA. Identifiers: Orphanet 684, MedGen C0221055, MONDO:0008195, OMIM 168300. Disease mechanism: loss of function.
Congenital myopathy 22A, classic (CMYO22A). Identifiers: MedGen C5830453, MONDO:0957247, OMIM 620351.
Congenital myopathy 22B, severe fetal (CMYO22B). Identifiers: MedGen C5830501, MONDO:0957265, OMIM 620369.

Allele frequency attached by ClinVar (database versions not stated): gnomAD 0.00001; ExAC 0.00002; ESP Exome Variant Server 0.00008; gnomAD exomes below 0.00001; TOPMed 0.00002.
gnomAD v4.1: 20 of 1,607,776 alleles (0.0012%); highest among the groups gnomAD compares: African/African-American, 0.0027%; no homozygotes.

Submissions (4):

Labcorp Genetics (formerly Invitae), Labcorp
Classification: Uncertain significance for Hyperkalemic periodic paralysis. Last evaluated: 2025-10-02. Review status: criteria provided, single submitter. Criteria: Invitae Variant Classification Sherloc (09022015). Collection method: clinical testing. Allele origin: germline.
Comment: This sequence change replaces glutamic acid, which is acidic and polar, with lysine, which is basic and polar, at codon 938 of the SCN4A protein (p.Glu938Lys). This variant is present in population databases (rs374673348, gnomAD 0.0009%). This variant has not been reported in the literature in individuals affected with SCN4A-related conditions. ClinVar contains an entry for this variant (Variation ID: 448267). Invitae Evidence Modeling of protein sequence and biophysical properties (such as structural, functional, and spatial information, amino acid conservation, physicochemical variation, residue mobility, and thermodynamic stability) indicates that this missense variant is not expected to disrupt SCN4A protein function with a negative predictive value of 95%. In summary, the available evidence is currently insufficient to determine the role of this variant in disease. Therefore, it has been classified as a Variant of Uncertain Significance.

Fulgent Genetics
Classification: Uncertain significance for Paramyotonia congenita of Von Eulenburg; Hyperkalemic periodic paralysis; Potassium-aggravated myotonia; Hypokalemic periodic paralysis, type 2; Congenital myasthenic syndrome 16; Congenital myopathy 22A, classic; Congenital myopathy 22B, severe fetal. Last evaluated: 2024-05-24. Review status: criteria provided, single submitter. Criteria: ACMG Guidelines, 2015. Collection method: clinical testing. Allele origin: germline.

GeneDx
Classification: Uncertain significance. Last evaluated: 2021-04-09. Review status: criteria provided, single submitter. Criteria: GeneDx Variant Classification Process June 2021. Collection method: clinical testing. Allele origin: germline. Affected: yes.
Comment: Not observed at a significant frequency in large population cohorts (Lek et al., 2016); In silico analysis supports that this missense variant does not alter protein structure/function; Has not been previously published as pathogenic or benign to our knowledge

Athena Diagnostics
Classification: Uncertain significance. Last evaluated: 2017-03-24. Review status: criteria provided, single submitter. Criteria: Athena Diagnostics Criteria. Collection method: clinical testing. Allele origin: germline.